The following is an entry in ClinVar:

NM_000141.5(FGFR2):c.820G>T (p.Val274Leu)

Gene: FGFR2 (fibroblast growth factor receptor 2; minus strand). Cytogenetic location: 10q26.13.
Variant type: single nucleotide variant.
Coding change: c.820G>T on transcript NM_000141.5 (MANE Select); coding-DNA position 820, G replaced by T.
Protein change: p.Val274Leu; replaces valine 274 with leucine.
Molecular consequence: missense variant. On other transcripts: non-coding transcript variant (1), intron variant (1).
Genome position (GRCh38, 1-based): chr10:121,520,098, C>A on the plus strand (G>T on the coding strand, the complement: FGFR2 is on the minus strand). VCF-style: chr10-121520098-C-A. GRCh37 (hg19) VCF-style: chr10-123279612-C-A.
Other names: c.820G>T, p.Val274Leu (NM_001320658.2, NM_001441087.1, NM_022970.4 and 2 more transcripts); c.553G>T, p.Val185Leu (NM_001441088.1, NM_001441089.1, NM_023029.3 and 2 more transcripts); c.475G>T, p.Val159Leu (NM_001441090.1, NM_001441091.1, NM_001144916.2 and 1 more transcripts); c.749-4779G>T (NM_001144914.1); c.136G>T, p.Val46Leu (NM_001320654.2); short protein forms V159L, V185L, V274L, V46L.
Identifiers: ClinVar variation 4527742 (VCV004527742.1).

ClinVar aggregate classification (germline): Uncertain significance (1 of 4 stars; one submission).

Submission:

GeneDx
Classification: Uncertain significance. Last evaluated: 2025-04-30. Review status: criteria provided, single submitter. Criteria: GeneDx Variant Classification Process June 2021. Collection method: clinical testing. Allele origin: germline. Affected: yes.
Comment: Not observed at significant frequency in large population cohorts (gnomAD); In silico analysis indicates that this missense variant does not alter protein structure/function; Has not been previously published as pathogenic or benign to our knowledge; This variant is associated with the following publications: (PMID: 11781872, 29230096)